The following is an entry in ClinVar:

NM_000321.3(RB1):c.2191C>A (p.Leu731Ile)

Gene: RB1 (RB transcriptional corepressor 1; plus strand). Cytogenetic location: 13q14.2.
Variant type: single nucleotide variant.
Coding change: c.2191C>A on transcript NM_000321.3 (MANE Select); coding-DNA position 2191, C replaced by A.
Protein change: p.Leu731Ile; replaces leucine 731 with isoleucine.
Molecular consequence: missense variant.
Genome position (GRCh38, 1-based): chr13:48,463,815, C>A. VCF-style: chr13-48463815-C-A. GRCh37 (hg19) VCF-style: chr13-49037951-C-A.
Other names: c.2191C>A (NM_000321.2); short protein forms L731I.
Identifiers: ClinVar variation 1520436 (VCV001520436.7), dbSNP rs2138342639, ClinGen allele CA388167197.

ClinVar aggregate classification (germline): Uncertain significance. Review status: criteria provided, multiple submitters, no conflicts (2 of 4 stars). 2 submissions from 2 submitters: Uncertain significance (2). Last evaluated 2026-07-07.

Conditions:
Hereditary cancer-predisposing syndrome. Also called: Hereditary Cancer Syndrome; Tumor predisposition; Neoplastic Syndromes, Hereditary; Hereditary neoplastic syndrome. Identifiers: Orphanet 140162, MedGen C0027672, MeSH D009386, MONDO:0015356.
Retinoblastoma (RB1). Also called: RETINOBLASTOMA, SOMATIC. Identifiers: Orphanet 790, MedGen C0035335, MeSH D012175, MONDO:0008380, OMIM 180200, HP:0009919. Disease mechanism: loss of function. Inheritance: Both sporadic and heritable forms are tested..

Submissions (2):

Ambry Genetics
Classification: Uncertain significance for Hereditary cancer-predisposing syndrome. Last evaluated: 2026-07-07. Review status: criteria provided, single submitter. Criteria: Ambry Variant Classification Scheme 2023. Collection method: clinical testing. Allele origin: germline.
Comment: The p.L731I variant (also known as c.2191C>A), located in coding exon 21 of the RB1 gene, results from a C to A substitution at nucleotide position 2191. The leucine at codon 731 is replaced by isoleucine, an amino acid with highly similar properties. This amino acid position is conserved. In addition, the in silico prediction for this alteration is inconclusive. Based on the available evidence, the clinical significance of this variant remains unclear.

Labcorp Genetics (formerly Invitae), Labcorp
Classification: Uncertain significance for Retinoblastoma. Last evaluated: 2025-02-02. Review status: criteria provided, single submitter. Criteria: Invitae Variant Classification Sherloc (09022015). Collection method: clinical testing. Allele origin: germline.
Comment: This sequence change replaces leucine, which is neutral and non-polar, with isoleucine, which is neutral and non-polar, at codon 731 of the RB1 protein (p.Leu731Ile). This variant is not present in population databases (gnomAD no frequency). This variant has not been reported in the literature in individuals affected with RB1-related conditions. ClinVar contains an entry for this variant (Variation ID: 1520436). Invitae Evidence Modeling of protein sequence and biophysical properties (such as structural, functional, and spatial information, amino acid conservation, physicochemical variation, residue mobility, and thermodynamic stability) indicates that this missense variant is not expected to disrupt RB1 protein function with a negative predictive value of 80%. In summary, the available evidence is currently insufficient to determine the role of this variant in disease. Therefore, it has been classified as a Variant of Uncertain Significance.